The following is an entry in ClinVar:

NM_024753.5(TTC21B):c.3707A>G (p.Tyr1236Cys)

Gene: TTC21B (tetratricopeptide repeat domain 21B; minus strand). Cytogenetic location: 2q24.3.
Variant type: single nucleotide variant.
Coding change: c.3707A>G on transcript NM_024753.5 (MANE Select); coding-DNA position 3707, A replaced by G.
Protein change: p.Tyr1236Cys; replaces tyrosine 1236 with cysteine.
Molecular consequence: missense variant.
Genome position (GRCh38, 1-based): chr2:165,880,777, T>C on the plus strand (A>G on the coding strand, the complement: TTC21B is on the minus strand). VCF-style: chr2-165880777-T-C. GRCh37 (hg19) VCF-style: chr2-166737287-T-C.
Other names: short protein forms Y1236C.
Identifiers: ClinVar variation 1490773 (VCV001490773.11), dbSNP rs144130537, ClinGen allele CA1941421.

ClinVar aggregate classification (germline): Conflicting classifications of pathogenicity. Review status: criteria provided, conflicting classifications (1 of 4 stars). 4 submissions from 4 submitters: Uncertain significance (3); Likely benign (1). Last evaluated 2024-05-29.

Conditions:
Asphyxiating thoracic dystrophy 4 (SRTD4). Also called: SHORT-RIB THORACIC DYSPLASIA 4 WITH OR WITHOUT POLYDACTYLY; SHORT-RIB THORACIC DYSPLASIA 4. Identifiers: Orphanet 474, MedGen C3151185, MONDO:0013441, OMIM 613819.
Nephronophthisis 12 (NPHP12). Identifiers: Orphanet 655, MedGen C3151186, MONDO:0013442, OMIM 613820.
Jeune thoracic dystrophy. Also called: Short-rib thoracic dysplasia; Jeune syndrome; Infantile thoracic dystrophy; Thoracic pelvic phalangeal dystrophy; Jeune's syndrome; Chondroectodermal dysplasia-like syndrome. Identifiers: Orphanet 474, MedGen C0265275, MONDO:0018770.
Nephronophthisis. Also called: Juvenile Nephronophthisis. Identifiers: Orphanet 655, MedGen C0687120, MONDO:0019005, HP:0000090.

Allele frequency attached by ClinVar (database versions not stated): gnomAD exomes below 0.00001 and 0.00002; ExAC 0.00002; TOPMed 0.00004; gnomAD 0.00005; ESP Exome Variant Server 0.00023.
gnomAD v4.1: 9 of 1,612,774 alleles (0.00056%); highest among the groups gnomAD compares: African/African-American, 0.012%; no homozygotes.

Submissions (4):

Fulgent Genetics
Classification: Uncertain significance for Asphyxiating thoracic dystrophy 4; Nephronophthisis 12. Last evaluated: 2024-05-29. Review status: criteria provided, single submitter. Criteria: ACMG Guidelines, 2015. Collection method: clinical testing. Allele origin: germline.

Labcorp Genetics (formerly Invitae), Labcorp
Classification: Likely benign for Jeune thoracic dystrophy; Nephronophthisis. Last evaluated: 2024-01-19. Review status: criteria provided, single submitter. Criteria: Invitae Variant Classification Sherloc (09022015). Collection method: clinical testing. Allele origin: germline.

GeneDx
Classification: Uncertain significance. Last evaluated: 2022-07-14. Review status: criteria provided, single submitter. Criteria: GeneDx Variant Classification Process June 2021. Collection method: clinical testing. Allele origin: germline. Affected: yes.
Comment: In silico analysis supports that this missense variant has a deleterious effect on protein structure/function; Has not been previously published as pathogenic or benign to our knowledge

Blueprint Genetics
Classification: Uncertain significance. Last evaluated: 2021-06-07. Review status: criteria provided, single submitter. Criteria: ACMG Guidelines, 2015. Collection method: clinical testing. Allele origin: germline.